The following is an entry in ClinVar:

NM_001843.4(CNTN1):c.82T>C (p.Tyr28His)

Gene: CNTN1 (contactin 1; plus strand). Cytogenetic location: 12q12.
Variant type: single nucleotide variant.
Coding change: c.82T>C on transcript NM_001843.4 (MANE Select); coding-DNA position 82, T replaced by C.
Protein change: p.Tyr28His; replaces tyrosine 28 with histidine.
Molecular consequence: missense variant. On other transcripts: intron variant (1).
Genome position (GRCh38, 1-based): chr12:40,910,093, T>C. VCF-style: chr12-40910093-T-C. GRCh37 (hg19) VCF-style: chr12-41303895-T-C.
Other names: c.82T>C, p.Tyr28His (NM_001256063.2, NM_001256064.2); c.61+1600T>C (NM_175038.2); short protein forms Y28H.
Identifiers: ClinVar variation 1351698 (VCV001351698.8), dbSNP rs2136817543, ClinGen allele CA384421476.

ClinVar aggregate classification (germline): Uncertain significance (1 of 4 stars; one submission).

Conditions:
Compton-North congenital myopathy (CMYO12). Identifiers: Orphanet 210163, MedGen C2675527, MONDO:0012929, OMIM 612540.

Submission:

Labcorp Genetics (formerly Invitae), Labcorp
Classification: Uncertain significance for Compton-North congenital myopathy. Last evaluated: 2021-05-12. Review status: criteria provided, single submitter. Criteria: Invitae Variant Classification Sherloc (09022015). Collection method: clinical testing. Allele origin: germline.
Comment: This variant is not present in population databases (ExAC no frequency). In summary, the available evidence is currently insufficient to determine the role of this variant in disease. Therefore, it has been classified as a Variant of Uncertain Significance. Advanced modeling of protein sequence and biophysical properties (such as structural, functional, and spatial information, amino acid conservation, physicochemical variation, residue mobility, and thermodynamic stability) performed at Invitae indicates that this missense variant is not expected to disrupt CNTN1 protein function. This variant has not been reported in the literature in individuals with CNTN1-related conditions. This sequence change replaces tyrosine with histidine at codon 28 of the CNTN1 protein (p.Tyr28His). The tyrosine residue is moderately conserved and there is a moderate physicochemical difference between tyrosine and histidine.